The following is an entry in ClinVar:

ClinVar aggregate classification (germline): Uncertain significance. Review status: criteria provided, single submitter (1 of 4 stars). 2 submissions from 2 submitters: Uncertain significance (1). 1 of the submissions does not count toward it. Last evaluated 2021-09-01.

Conditions:
Dyskeratosis congenita, autosomal recessive 5 (DKCB5). Identifiers: MedGen C3554656, MONDO:0014076, OMIM 615190.
Pulmonary fibrosis and/or bone marrow failure, Telomere-related, 3. Also called: PULMONARY FIBROSIS AND/OR BONE MARROW FAILURE SYNDROME, TELOMERE-RELATED, 3. Identifiers: Orphanet 2032, MedGen C4225346, MONDO:0014613, OMIM 616373.
Dyskeratosis congenita. Identifiers: Orphanet 1775, MedGen C0265965, MONDO:0015780.

Submissions (2):

Labcorp Genetics (formerly Invitae), Labcorp
Classification: Uncertain significance for Dyskeratosis congenita, autosomal recessive 5; Pulmonary fibrosis and/or bone marrow failure, Telomere-related, 3. Last evaluated: 2021-09-01. Review status: criteria provided, single submitter. Criteria: Invitae Variant Classification Sherloc (09022015). Collection method: clinical testing. Allele origin: germline.
Comment: This sequence change replaces serine with asparagine at codon 1203 of the RTEL1 protein (p.Ser1203Asn). The serine residue is weakly conserved and there is a small physicochemical difference between serine and asparagine. This variant is not present in population databases (ExAC no frequency). This variant has not been reported in the literature in individuals affected with RTEL1-related conditions. Algorithms developed to predict the effect of missense changes on protein structure and function (SIFT, PolyPhen-2, Align-GVGD) all suggest that this variant is likely to be tolerated. In summary, the available evidence is currently insufficient to determine the role of this variant in disease. Therefore, it has been classified as a Variant of Uncertain Significance.

Natera, Inc.
Classification: Uncertain significance for Dyskeratosis congenita. Last evaluated: 2020-08-24. Review status: no assertion criteria provided. Collection method: clinical testing. Allele origin: germline. Not counted in ClinVar's aggregate classification.

NM_001283009.2(RTEL1):c.3608G>A (p.Ser1203Asn)

Genes: RTEL1-TNFRSF6B (RTEL1-TNFRSF6B readthrough (NMD candidate); plus strand), RTEL1 (regulator of telomere elongation helicase 1; plus strand). Cytogenetic location: 20q13.33.
Variant type: single nucleotide variant.
Coding change: c.3608G>A on transcript NM_001283009.2 (MANE Select); coding-DNA position 3608, G replaced by A.
Protein change: p.Ser1203Asn; replaces serine 1203 with asparagine.
Molecular consequence: missense variant. On other transcripts: non-coding transcript variant (1).
Genome position (GRCh38, 1-based): chr20:63,695,436, G>A. VCF-style: chr20-63695436-G-A. GRCh37 (hg19) VCF-style: chr20-62326789-G-A.
Other names: c.2939G>A, p.Ser980Asn (NM_001283010.1); c.3608G>A, p.Ser1203Asn (NM_016434.4); c.3680G>A, p.Ser1227Asn (NM_032957.5); short protein forms S1203N, S1227N, S980N.
Identifiers: ClinVar variation 1062884 (VCV001062884.7), dbSNP rs2145479866, ClinGen allele CA409686347.